The following is an entry in ClinVar:

ClinVar aggregate classification (germline): Pathogenic (1 of 4 stars; one submission).

Conditions:
Osteogenesis imperfecta type I (OI1). Also called: OI, TYPE I; OSTEOGENESIS IMPERFECTA TARDA; OSTEOGENESIS IMPERFECTA WITH BLUE SCLERAE; Osteogenesis imperfecta type 1; Lobstein's Disease; Lobstein disease. Identifiers: Orphanet 216796, Orphanet 666, MedGen C0023931, MONDO:0008146, OMIM 166200. Disease mechanism: loss of function.

Submission:

Labcorp Genetics (formerly Invitae), Labcorp
Classification: Pathogenic for Osteogenesis imperfecta type I. Last evaluated: 2025-01-14. Review status: criteria provided, single submitter. Criteria: Invitae Variant Classification Sherloc (09022015). Collection method: clinical testing. Allele origin: germline.
Comment: This sequence change replaces glycine, which is neutral and non-polar, with alanine, which is neutral and non-polar, at codon 398 of the COL1A1 protein (p.Gly398Ala). This variant is not present in population databases (gnomAD no frequency). This missense change has been observed in individuals with osteogenesis imperfecta (PMID: 17078022). Invitae Evidence Modeling of protein sequence and biophysical properties (such as structural, functional, and spatial information, amino acid conservation, physicochemical variation, residue mobility, and thermodynamic stability) indicates that this missense variant is expected to disrupt COL1A1 protein function with a positive predictive value of 95%. This variant disrupts the triple helix domain of COL1A1. Glycine residues within the Gly-Xaa-Yaa repeats of the triple helix domain are required for the structure and stability of fibrillar collagens (PMID: 7695699, 8218237, 19344236). In COL1A1, variants affecting these glycine residues are significantly enriched in individuals with disease (PMID: 9016532, 17078022) compared to the general population (ExAC). This variant disrupts the p.Gly398 amino acid residue in COL1A1. Other variant(s) that disrupt this residue have been observed in individuals with COL1A1-related conditions (PMID: 7487936, 9600458, 17078022), which suggests that this may be a clinically significant amino acid residue. For these reasons, this variant has been classified as Pathogenic.

Literature cited by the submitters: PubMed 17078022; PubMed 7695699; PubMed 8218237; PubMed 19344236; PubMed 9016532; PubMed 7487936; PubMed 9600458.

NM_000088.4(COL1A1):c.1193G>C (p.Gly398Ala)

Gene: COL1A1 (collagen type I alpha 1 chain; minus strand). Cytogenetic location: 17q21.33.
Variant type: single nucleotide variant.
Coding change: c.1193G>C on transcript NM_000088.4 (MANE Select); coding-DNA position 1193, G replaced by C.
Protein change: p.Gly398Ala; replaces glycine 398 with alanine.
Molecular consequence: missense variant.
Genome position (GRCh38, 1-based): chr17:50,195,441, C>G on the plus strand (G>C on the coding strand, the complement: COL1A1 is on the minus strand). VCF-style: chr17-50195441-C-G. GRCh37 (hg19) VCF-style: chr17-48272802-C-G.
Other names: short protein forms G398A.
Identifiers: ClinVar variation 3722878 (VCV003722878.2).